The following is an entry in ClinVar:

NM_000100.4(CSTB):c.200_203dup (p.Val69fs)

Gene: CSTB (cystatin B; minus strand). Cytogenetic location: 21q22.3.
Variant type: Duplication.
Coding change: c.200_203dup on transcript NM_000100.4 (MANE Select); coding-DNA positions 200 to 203, 4 bases duplicated (TGCG; older notation c.200_203dupTGCG).
Protein change: p.Val69fs; shifts the reading frame from valine 69.
Molecular consequence: frameshift variant.
Genome position (GRCh38, 1-based): chr21:43,774,296-43,774,299, CGCA duplicated on the plus strand (TGCG on the coding strand, the reverse complement: CSTB is on the minus strand). VCF-style (leftmost placement, unchanged base first): chr21-43774295-T-TCGCA. GRCh37 (hg19) VCF-style: chr21-45194176-T-TCGCA.
Other names: c.200_203dupTGCG (NM_000100.3); short protein forms V69fs.
Identifiers: ClinVar variation 659184 (VCV000659184.8), dbSNP rs1601855887, ClinGen allele CA915952596.

ClinVar aggregate classification (germline): Pathogenic (1 of 4 stars; one submission).

Conditions:
Progressive myoclonic epilepsy. Also called: Familial progressive myoclonic epilepsy; Myoclonus epilepsy; Progressive myoclonus epilepsy; Myoclonic Epilepsies, Progressive. Identifiers: Orphanet 308, Orphanet 98261, MedGen C0751778, MONDO:0020074.

Submission:

Labcorp Genetics (formerly Invitae), Labcorp
Classification: Pathogenic for Progressive myoclonic epilepsy. Last evaluated: 2018-09-21. Review status: criteria provided, single submitter. Criteria: Invitae Variant Classification Sherloc (09022015). Collection method: clinical testing. Allele origin: germline.
Comment: This variant is not present in population databases (ExAC no frequency). This sequence change results in a premature translational stop signal in the CSTB gene (p.Val69Alafs*9). While this is not anticipated to result in nonsense mediated decay, it is expected to disrupt the last 30 amino acids of the CSTB protein. For these reasons, this variant has been classified as Pathogenic. This variant disrupts the C-terminus of the CSTB protein. Another variant that disrupts this region (p.Leu73Profs*3) has been determined to be pathogenic (PMID: 9054946, 9342192, 15483648, 17920138). This suggests that variants that disrupt this region of the protein are likely to be causative of disease. This variant has not been reported in the literature in individuals with CSTB-related disease.

Literature cited by the submitters: PubMed 9054946; PubMed 9342192; PubMed 15483648; PubMed 17920138.